The following is an entry in ClinVar:

ClinVar aggregate classification (germline): Conflicting classifications of pathogenicity. Review status: criteria provided, conflicting classifications (1 of 4 stars). 2 submissions from 2 submitters: Uncertain significance (1); Likely benign (1). Last evaluated 2025-09-14.

Conditions:
TIMP3-related disorder. Also called: TIMP3-related condition.

Allele frequency attached by ClinVar (database versions not stated): gnomAD 0.00004; TOPMed 0.00005; ExAC 0.00006; gnomAD exomes 0.00006; 1000 Genomes Project 30x 0.00016; 1000 Genomes Project 0.00020.
gnomAD v4.1: 58 of 1,612,964 alleles (0.0036%); highest among the groups gnomAD compares: Admixed American, 0.022%; no homozygotes.

Submissions (2):

PreventionGenetics, part of Exact Sciences
Classification: Likely benign for TIMP3-related condition. Last evaluated: 2025-09-14. Review status: criteria provided, single submitter. Criteria: ACMG Guidelines, 2015. Collection method: clinical testing. Allele origin: germline.
Comment: This variant is classified as likely benign based on ACMG/AMP sequence variant interpretation guidelines (Richards et al. 2015 PMID: 25741868, with internal and published modifications).

Labcorp Genetics (formerly Invitae), Labcorp
Classification: Uncertain significance. Last evaluated: 2025-09-08. Review status: criteria provided, single submitter. Criteria: Invitae Variant Classification Sherloc (09022015). Collection method: clinical testing. Allele origin: germline.
Comment: This sequence change replaces proline, which is neutral and non-polar, with leucine, which is neutral and non-polar, at codon 201 of the TIMP3 protein (p.Pro201Leu). This variant is present in population databases (rs567817394, gnomAD 0.02%). This variant has not been reported in the literature in individuals affected with TIMP3-related conditions. ClinVar contains an entry for this variant (Variation ID: 1523797). An algorithm developed to predict the effect of missense changes on protein structure and function (PolyPhen-2) suggests that this variant is likely to be disruptive. In summary, the available evidence is currently insufficient to determine the role of this variant in disease. Therefore, it has been classified as a Variant of Uncertain Significance.

NM_000362.5(TIMP3):c.602C>T (p.Pro201Leu)

Genes: SYN3 (synapsin III; minus strand), TIMP3 (TIMP metallopeptidase inhibitor 3; plus strand). Cytogenetic location: 22q12.3.
Variant type: single nucleotide variant.
Coding change: c.602C>T on transcript NM_000362.5 (MANE Select); coding-DNA position 602, C replaced by T.
Protein change: p.Pro201Leu; replaces proline 201 with leucine.
Molecular consequence: missense variant. On other transcripts: intron variant (7).
Genome position (GRCh38, 1-based): chr22:32,859,343, C>T. VCF-style: chr22-32859343-C-T. GRCh37 (hg19) VCF-style: chr22-33255330-C-T.
Other names: c.708+5572G>A (NM_001369909.1, NM_001135774.2, NM_001369910.1); c.711+5572G>A (NM_001369907.1, NM_003490.4, NM_001369908.1 and 1 more transcripts); c.602C>T (NM_000362.4); short protein forms P201L.
Identifiers: ClinVar variation 1523797 (VCV001523797.9), dbSNP rs567817394, ClinGen allele CA10202294.